The following is an entry in ClinVar:

ClinVar aggregate classification (germline): Uncertain significance. Review status: criteria provided, multiple submitters, no conflicts (2 of 4 stars). 3 submissions from 3 submitters: Uncertain significance (3). Last evaluated 2024-11-11.

Conditions:
Inborn genetic diseases. Identifiers: MedGen C0950123, MeSH D030342.

Allele frequency attached by ClinVar (database versions not stated): gnomAD exomes 0.00004; gnomAD 0.00005; TOPMed 0.00005; ExAC 0.00008; ESP Exome Variant Server 0.00008.
gnomAD v4.1: 70 of 1,613,788 alleles (0.0043%); highest among the groups gnomAD compares: Admixed American, 0.0067%; no homozygotes.

Submissions (3):

Ambry Genetics
Classification: Uncertain significance for Inborn genetic diseases. Last evaluated: 2024-11-11. Review status: criteria provided, single submitter. Criteria: Ambry Variant Classification Scheme 2023. Collection method: clinical testing. Allele origin: germline.

Blueprint Genetics
Classification: Uncertain significance. Last evaluated: 2023-08-30. Review status: criteria provided, single submitter. Criteria: ACMG Guidelines, 2015. Collection method: clinical testing. Allele origin: germline.

Labcorp Genetics (formerly Invitae), Labcorp
Classification: Uncertain significance. Last evaluated: 2022-08-21. Review status: criteria provided, single submitter. Criteria: Invitae Variant Classification Sherloc (09022015). Collection method: clinical testing. Allele origin: germline.
Comment: This sequence change replaces proline, which is neutral and non-polar, with leucine, which is neutral and non-polar, at codon 1229 of the CNGB1 protein (p.Pro1229Leu). This variant is present in population databases (rs376833687, gnomAD 0.008%). This variant has not been reported in the literature in individuals affected with CNGB1-related conditions. ClinVar contains an entry for this variant (Variation ID: 848584). Advanced modeling of protein sequence and biophysical properties (such as structural, functional, and spatial information, amino acid conservation, physicochemical variation, residue mobility, and thermodynamic stability) performed at Invitae indicates that this missense variant is not expected to disrupt CNGB1 protein function. In summary, the available evidence is currently insufficient to determine the role of this variant in disease. Therefore, it has been classified as a Variant of Uncertain Significance.

NM_001297.5(CNGB1):c.3686C>T (p.Pro1229Leu)

Gene: CNGB1 (cyclic nucleotide gated channel subunit beta 1; minus strand). Cytogenetic location: 16q21.
Variant type: single nucleotide variant.
Coding change: c.3686C>T on transcript NM_001297.5 (MANE Select); coding-DNA position 3686, C replaced by T.
Protein change: p.Pro1229Leu; replaces proline 1229 with leucine.
Molecular consequence: missense variant.
Genome position (GRCh38, 1-based): chr16:57,884,234, G>A on the plus strand (C>T on the coding strand, the complement: CNGB1 is on the minus strand). VCF-style: chr16-57884234-G-A. GRCh37 (hg19) VCF-style: chr16-57918138-G-A.
Other names: c.3668C>T, p.Pro1223Leu (NM_001286130.2); short protein forms P1223L, P1229L.
Identifiers: ClinVar variation 848584 (VCV000848584.7), dbSNP rs376833687, ClinGen allele CA8082479.